The following is an entry in ClinVar:

NM_000391.4(TPP1):c.226T>C (p.Tyr76His)

Gene: TPP1 (tripeptidyl peptidase 1; minus strand). Cytogenetic location: 11p15.4.
Variant type: single nucleotide variant.
Coding change: c.226T>C on transcript NM_000391.4 (MANE Select); coding-DNA position 226, T replaced by C.
Protein change: p.Tyr76His; replaces tyrosine 76 with histidine.
Molecular consequence: missense variant.
Genome position (GRCh38, 1-based): chr11:6,618,779, A>G on the plus strand (T>C on the coding strand, the complement: TPP1 is on the minus strand). VCF-style: chr11-6618779-A-G. GRCh37 (hg19) VCF-style: chr11-6640010-A-G.
Other names: short protein forms Y76H.
Identifiers: ClinVar variation 2163465 (VCV002163465.1), dbSNP rs2493801878, ClinGen allele CA379476643.

ClinVar aggregate classification (germline): Uncertain significance (1 of 4 stars; one submission).

Submission:

Labcorp Genetics (formerly Invitae), Labcorp
Classification: Uncertain significance. Last evaluated: 2021-10-10. Review status: criteria provided, single submitter. Criteria: Invitae Variant Classification Sherloc (09022015). Collection method: clinical testing. Allele origin: germline.
Comment: This sequence change replaces tyrosine with histidine at codon 76 of the TPP1 protein (p.Tyr76His). The tyrosine residue is highly conserved and there is a moderate physicochemical difference between tyrosine and histidine. This variant is not present in population databases (ExAC no frequency). This variant has not been reported in the literature in individuals affected with TPP1-related conditions. Advanced modeling of protein sequence and biophysical properties (such as structural, functional, and spatial information, amino acid conservation, physicochemical variation, residue mobility, and thermodynamic stability) performed at Invitae indicates that this missense variant is expected to disrupt TPP1 protein function. In summary, the available evidence is currently insufficient to determine the role of this variant in disease. Therefore, it has been classified as a Variant of Uncertain Significance.